The following is an entry in ClinVar:

NM_002739.5(PRKCG):c.1941C>T (p.Phe647=)

Gene: PRKCG (protein kinase C gamma; plus strand). Cytogenetic location: 19q13.42.
Variant type: single nucleotide variant.
Coding change: c.1941C>T on transcript NM_002739.5 (MANE Select); coding-DNA position 1941, C replaced by T.
Protein change: p.Phe647=; no amino-acid change (phenylalanine 647 retained).
Molecular consequence: synonymous variant.
Genome position (GRCh38, 1-based): chr19:53,906,742, C>T. VCF-style: chr19-53906742-C-T. GRCh37 (hg19) VCF-style: chr19-54409996-C-T.
Other names: p.Phe647=; c.1941C>T (LRG_669t1); c.1941C>T, p.Phe647= (NM_001316329.2).
Identifiers: ClinVar variation 330069 (VCV000330069.12), dbSNP rs2242243, ClinGen allele CA9640743.

ClinVar aggregate classification (germline): Benign. Review status: criteria provided, multiple submitters, no conflicts (2 of 4 stars). 5 submissions from 5 submitters: Benign (5). Last evaluated 2024-06-24.

Conditions:
Spinocerebellar ataxia type 14 (SCA14). Identifiers: Orphanet 98763, MedGen C1854369, MONDO:0011540, OMIM 605361.

Allele frequency attached by ClinVar (database versions not stated): gnomAD 0.00188 and 0.00273; gnomAD exomes 0.00215 and 0.00549; TOPMed 0.00287; ExAC 0.00540; 1000 Genomes Project 30x 0.01421; 1000 Genomes Project 0.01438.
gnomAD v4.1: 3,617 of 1,613,346 alleles (0.22%); highest among the groups gnomAD compares: East Asian, 7.3%; 145 homozygotes.

Submissions (5):

Mayo Clinic Laboratories, Mayo Clinic
Classification: Benign. Last evaluated: 2024-06-24. Review status: criteria provided, single submitter. Criteria: ACMG Guidelines, 2015. Collection method: clinical testing. Allele origin: germline. Observed: 2 variant alleles.

GeneDx
Classification: Benign. Last evaluated: 2021-12-26. Review status: criteria provided, single submitter. Criteria: GeneDx Variant Classification Process June 2021. Collection method: clinical testing. Allele origin: germline. Affected: yes.

Labcorp Genetics (formerly Invitae), Labcorp
Classification: Benign. Last evaluated: 2019-12-31. Review status: criteria provided, single submitter. Criteria: Invitae Variant Classification Sherloc (09022015). Collection method: clinical testing. Allele origin: germline.

Illumina Laboratory Services, Illumina
Classification: Benign for Spinocerebellar ataxia type 14. Last evaluated: 2018-01-13. Review status: criteria provided, single submitter. Criteria: ICSL Variant Classification Criteria 13 December 2019. Collection method: clinical testing. Allele origin: germline.
Comment: This variant was observed in the ICSL laboratory as part of a predisposition screen in an ostensibly healthy population. It had not been previously curated by ICSL or reported in the Human Gene Mutation Database (HGMD: prior to June 1st, 2018), and was therefore a candidate for classification through an automated scoring system. Utilizing variant allele frequency, disease prevalence and penetrance estimates, and inheritance mode, an automated score was calculated to assess if this variant is too frequent to cause the disease. Based on the score and internal cut-off values, a variant classified as benign is not then subjected to further curation. The score for this variant resulted in a classification of benign for this disease.

Breakthrough Genomics
Classification: Benign. Review status: criteria provided, single submitter. Criteria: ACMG Guidelines, 2015. Collection method: not provided. Allele origin: germline. Inheritance: Autosomal dominant inheritance. Affected: yes.